The following is an entry in ClinVar:

NM_000302.4(PLOD1):c.2161G>T (p.Ala721Ser)

Gene: PLOD1 (procollagen-lysine,2-oxoglutarate 5-dioxygenase 1; plus strand). Cytogenetic location: 1p36.22.
Variant type: single nucleotide variant.
Coding change: c.2161G>T on transcript NM_000302.4 (MANE Select); coding-DNA position 2161, G replaced by T.
Protein change: p.Ala721Ser; replaces alanine 721 with serine.
Molecular consequence: missense variant.
Genome position (GRCh38, 1-based): chr1:11,974,785, G>T. VCF-style: chr1-11974785-G-T. GRCh37 (hg19) VCF-style: chr1-12034842-G-T.
Other names: c.2302G>T, p.Ala768Ser (NM_001316320.2); c.2161G>T (NM_000302.3); short protein forms A721S, A768S.
Identifiers: ClinVar variation 1675113 (VCV001675113.2), dbSNP rs781689639, ClinGen allele CA598689.

ClinVar aggregate classification (germline): Uncertain significance. Review status: criteria provided, multiple submitters, no conflicts (2 of 4 stars). 2 submissions from 2 submitters: Uncertain significance (2). Last evaluated 2024-10-24.

Conditions:
Familial thoracic aortic aneurysm and aortic dissection (TAAD). Also called: Thoracic aortic aneurysms and dissections. Identifiers: Orphanet 91387, MedGen C4707243, MONDO:0019625.
Ehlers-Danlos syndrome, kyphoscoliotic type 1 (EDSKSCL1). Also called: EHLERS-DANLOS SYNDROME, TYPE VIA; PLOD1-Related Kyphoscoliotic Ehlers-Danlos Syndrome; EHLERS-DANLOS SYNDROME, OCULAR-SCOLIOTIC TYPE; Ehlers-Danlos syndrome, hydroxylysine-deficient. Identifiers: Orphanet 1900, MedGen C0268342, MONDO:0016002, OMIM 225400. Disease mechanism: loss of function.

Allele frequency attached by ClinVar (database versions not stated): ExAC 0.00001.
gnomAD v4.1: 10 of 1,614,098 alleles (0.00062%); highest among the groups gnomAD compares: Non-Finnish European, 0.00085%; no homozygotes.

Submissions (2):

Ambry Genetics
Classification: Uncertain significance for Familial thoracic aortic aneurysm and aortic dissection. Last evaluated: 2024-10-24. Review status: criteria provided, single submitter. Criteria: Ambry Variant Classification Scheme 2023. Collection method: clinical testing. Allele origin: germline.
Comment: The p.A721S variant (also known as c.2161G>T), located in coding exon 19 of the PLOD1 gene, results from a G to T substitution at nucleotide position 2161. The alanine at codon 721 is replaced by serine, an amino acid with similar properties. This amino acid position is conserved. In addition, the in silico prediction for this alteration is inconclusive. Based on the available evidence, the clinical significance of this variant remains unclear.

Center for Genomics, Ann and Robert H. Lurie Children's Hospital of Chicago
Classification: Uncertain significance for Ehlers-Danlos syndrome, kyphoscoliotic type 1. Last evaluated: 2022-01-05. Review status: criteria provided, single submitter. Criteria: ACMG Guidelines, 2015. Collection method: clinical testing. Allele origin: germline.
Comment: PLOD1 NM_000302.4 exon 19 p.Ala721Ser (c.2161G>T):This variant has not been reported in the literature and is present in 0.0008% (1/113686) of European alleles in the Genome Aggregation Database. Evolutionary conservation and computational predictive tools for this variant are unclear. In summary, data on this variant is insufficient for disease classification. Therefore, the clinical significance of this variant is uncertain.